The following is an entry in ClinVar:

ClinVar aggregate classification (germline): Conflicting classifications of pathogenicity. Review status: criteria provided, conflicting classifications (1 of 4 stars). 10 submissions from 10 submitters: Uncertain significance (1); Benign (2); Likely benign (6). 1 of the submissions does not count toward it. Last evaluated 2026-02-02.

Conditions:
Inborn genetic diseases. Identifiers: MedGen C0950123, MeSH D030342.
SPG11-related disorder. Also called: SPG11-related condition.
Hereditary spastic paraplegia 11. Also called: SPASTIC PARAPLEGIA, AUTOSOMAL RECESSIVE, COMPLICATED, WITH THIN CORPUS CALLOSUM; SPASTIC PARAPLEGIA, AUTOSOMAL RECESSIVE, WITH MENTAL IMPAIRMENT AND THIN CORPUS CALLOSUM; Spastic Paraplegia 11; Nakamura Osame syndrome; Autosomal recessive hereditary spastic paraplegia, mental impairment, and thin corpus callosum; Spastic paraplegia, mental retardation and thin corpus callosum. Identifiers: Orphanet 2822, MedGen C1858479, MONDO:0011445, OMIM 604360.

Allele frequency attached by ClinVar (database versions not stated): 1000 Genomes Project 0.00020; 1000 Genomes Project 30x 0.00031; TOPMed 0.00046; gnomAD exomes 0.00056 and 0.00071; ExAC 0.00061; gnomAD 0.00066; ESP Exome Variant Server 0.00069.
gnomAD v4.1: 1,129 of 1,613,968 alleles (0.07%); highest among the groups gnomAD compares: Non-Finnish European, 0.08%; 5 homozygotes.

Submissions (10):

Labcorp Genetics (formerly Invitae), Labcorp
Classification: Benign for Hereditary spastic paraplegia 11. Last evaluated: 2026-02-02. Review status: criteria provided, single submitter. Criteria: Invitae Variant Classification Sherloc (09022015). Collection method: clinical testing. Allele origin: germline.

Mayo Clinic Laboratories, Mayo Clinic
Classification: Likely benign. Last evaluated: 2025-11-18. Review status: criteria provided, single submitter. Criteria: ACMG Guidelines, 2015. Collection method: clinical testing. Allele origin: germline. Observed: 4 variant alleles.
Comment: BS1, BP4, BP7

CeGaT Center for Human Genetics Tuebingen
Classification: Likely benign. Last evaluated: 2025-06-01. Review status: criteria provided, single submitter. Criteria: CeGaT Center For Human Genetics Tuebingen Variant Classification Criteria Version 2. Collection method: clinical testing. Allele origin: germline. Affected: yes. Observed: 5 variant alleles.
Comment: SPG11: BP4, BP7

Laboratory of Genetics, Children's Clinical University Hospital Latvia
Classification: Likely benign. Last evaluated: 2025-02-16. Review status: criteria provided, single submitter. Criteria: ACMG Guidelines, 2015. Collection method: clinical testing. Allele origin: germline. Affected: yes.

Women's Health and Genetics/Laboratory Corporation of America, LabCorp
Classification: Likely benign. Last evaluated: 2024-12-24. Review status: criteria provided, single submitter. Criteria: LabCorp Variant Classification Summary - May 2015. Collection method: clinical testing. Allele origin: germline.

Blueprint Genetics
Classification: Likely benign. Last evaluated: 2024-11-05. Review status: criteria provided, single submitter. Criteria: ACMG Guidelines, 2015. Collection method: clinical testing. Allele origin: germline.

Athena Diagnostics
Classification: Benign. Last evaluated: 2021-01-20. Review status: criteria provided, single submitter. Criteria: Athena Diagnostics criteria. Collection method: clinical testing. Allele origin: unknown.

Ambry Genetics
Classification: Likely benign for Inborn genetic diseases. Last evaluated: 2019-07-11. Review status: criteria provided, single submitter. Criteria: Ambry Variant Classification Scheme 2023. Collection method: clinical testing. Allele origin: germline.

Illumina Laboratory Services, Illumina
Classification: Uncertain significance for Hereditary spastic paraplegia 11. Last evaluated: 2018-01-12. Review status: criteria provided, single submitter. Criteria: ICSL Variant Classification Criteria 13 December 2019. Collection method: clinical testing. Allele origin: germline.

PreventionGenetics, part of Exact Sciences
Classification: Likely benign for SPG11-related condition. Last evaluated: 2019-03-25. Review status: no assertion criteria provided. Collection method: clinical testing. Allele origin: germline. Not counted in ClinVar's aggregate classification.
Comment: This variant is classified as likely benign based on ACMG/AMP sequence variant interpretation guidelines (Richards et al. 2015 PMID: 25741868, with internal and published modifications).

NM_025137.4(SPG11):c.4026A>G (p.Gln1342=)

Gene: SPG11 (SPG11 vesicle trafficking associated, spatacsin; minus strand). Cytogenetic location: 15q21.1.
Variant type: single nucleotide variant.
Coding change: c.4026A>G on transcript NM_025137.4 (MANE Select); coding-DNA position 4026, A replaced by G.
Protein change: p.Gln1342=; no amino-acid change (glutamine 1342 retained).
Molecular consequence: synonymous variant.
Genome position (GRCh38, 1-based): chr15:44,596,919, T>C on the plus strand (A>G on the coding strand, the complement: SPG11 is on the minus strand). VCF-style: chr15-44596919-T-C. GRCh37 (hg19) VCF-style: chr15-44889117-T-C.
Other names: p.Gln1342=; c.4026A>G, p.Gln1342= (NM_001160227.2).
Identifiers: ClinVar variation 241594 (VCV000241594.52), dbSNP rs139887370, ClinGen allele CA7534777.